The following is an entry in ClinVar:

ClinVar aggregate classification (germline): Pathogenic (1 of 4 stars; one submission).

Conditions:
Fanconi anemia (FA). Also called: Fanconi's anemia. Identifiers: Orphanet 84, MedGen C0015625, MeSH D005199, MONDO:0019391.

Submission:

Labcorp Genetics (formerly Invitae), Labcorp
Classification: Pathogenic for Fanconi anemia. Last evaluated: 2021-06-26. Review status: criteria provided, single submitter. Criteria: Invitae Variant Classification Sherloc (09022015). Collection method: clinical testing. Allele origin: germline.
Comment: This sequence change creates a premature translational stop signal (p.Leu396Phefs*15) in the FANCA gene. It is expected to result in an absent or disrupted protein product. Loss-of-function variants in FANCA are known to be pathogenic (PMID: 19367192). This variant is not present in population databases (ExAC no frequency). For these reasons, this variant has been classified as Pathogenic. This variant has not been reported in the literature in individuals with FANCA-related conditions.

Literature cited by the submitters: PubMed 19367192.

NM_000135.4(FANCA):c.1185_1197del (p.Leu396fs)

Gene: FANCA (FA complementation group A; minus strand). Cytogenetic location: 16q24.3.
Variant type: Deletion.
Coding change: c.1185_1197del on transcript NM_000135.4 (MANE Select); coding-DNA positions 1185 to 1197, 13 bases deleted (CCTGGTTGTCTGC).
Protein change: p.Leu396fs; shifts the reading frame from leucine 396.
Molecular consequence: frameshift variant.
Genome position (GRCh38, 1-based): chr16:89,791,955-89,791,967, GCAGACAACCAGG deleted on the plus strand (CCTGGTTGTCTGC on the coding strand, the reverse complement: FANCA is on the minus strand); deleting any 13 consecutive bases within chr16:89,791,955-89,791,974 gives the same sequence; the c. name uses the placement nearest the transcript's 3' end. VCF-style (leftmost placement, unchanged base first): chr16-89791954-AGCAGACAACCAGG-A. GRCh37 (hg19) VCF-style: chr16-89858362-AGCAGACAACCAGG-A.
Other names: c.1185_1197del, p.Leu396fs (NM_001286167.3); short protein forms L396fs.
Identifiers: ClinVar variation 1368603 (VCV001368603.6), dbSNP rs2143529729, ClinGen allele CA2573152824.